The following is an entry in ClinVar:

ClinVar aggregate classification (germline): Conflicting classifications of pathogenicity. Review status: criteria provided, conflicting classifications (1 of 4 stars). 6 submissions from 5 submitters: Uncertain significance (3); Likely benign (2). 1 of the submissions does not count toward it. Last evaluated 2025-12-30.

Conditions:
Progressive familial intrahepatic cholestasis type 3. Also called: MDR3 DEFICIENCY; Low Gamma-GT Familial Intrahepatic Cholestasis. Identifiers: Orphanet 79305, MedGen C1865643, MONDO:0011214, OMIM 602347.
ABCB4-related disorder. Also called: ABCB4-related disorders; ABCB4-related condition.
Cholestasis, intrahepatic, of pregnancy, 3. Identifiers: Orphanet 69665, MedGen C3554241, MONDO:0013995, OMIM 614972.

Allele frequency attached by ClinVar (database versions not stated): gnomAD exomes 0.00021 and 0.00031; ExAC 0.00023; TOPMed 0.00023; gnomAD 0.00027; ESP Exome Variant Server 0.00038.
gnomAD v4.1: 485 of 1,613,908 alleles (0.03%); highest among the groups gnomAD compares: Non-Finnish European, 0.039%; 1 homozygote.

Submissions (6):

Labcorp Genetics (formerly Invitae), Labcorp
Classification: Likely benign. Last evaluated: 2025-12-30. Review status: criteria provided, single submitter. Criteria: Invitae Variant Classification Sherloc (09022015). Collection method: clinical testing. Allele origin: germline.

Eurofins Ntd Llc (ga)
Classification: Uncertain significance. Last evaluated: 2018-07-30. Review status: criteria provided, single submitter. Criteria: EGL ClinVar v180209 classification definitions. Collection method: clinical testing. Allele origin: germline. Observed: 2 variant alleles, 2 heterozygotes.

GeneDx
Classification: Likely benign. Last evaluated: 2018-05-31. Review status: criteria provided, single submitter. Criteria: GeneDx Variant Classification (06012015). Collection method: clinical testing. Allele origin: germline. Affected: yes.
Comment: This variant is considered likely benign or benign based on one or more of the following criteria: it is a conservative change, it occurs at a poorly conserved position in the protein, it is predicted to be benign by multiple in silico algorithms, and/or has population frequency not consistent with disease.

Illumina Laboratory Services, Illumina
Classification: Uncertain significance for Cholestasis, intrahepatic, of pregnancy, 3. Last evaluated: 2018-01-12. Review status: criteria provided, single submitter. Criteria: ICSL Variant Classification Criteria 13 December 2019. Collection method: clinical testing. Allele origin: germline.

Illumina Laboratory Services, Illumina
Classification: Uncertain significance for Progressive familial intrahepatic cholestasis type 3. Last evaluated: 2018-01-12. Review status: criteria provided, single submitter. Criteria: ICSL Variant Classification Criteria 13 December 2019. Collection method: clinical testing. Allele origin: germline.

PreventionGenetics, part of Exact Sciences
Classification: Likely benign for ABCB4-related condition. Last evaluated: 2021-08-24. Review status: no assertion criteria provided. Collection method: clinical testing. Allele origin: germline. Not counted in ClinVar's aggregate classification.
Comment: This variant is classified as likely benign based on ACMG/AMP sequence variant interpretation guidelines (Richards et al. 2015 PMID: 25741868, with internal and published modifications).

NM_000443.4(ABCB4):c.3402C>T (p.Asp1134=)

Gene: ABCB4 (ATP binding cassette subfamily B member 4; minus strand). Cytogenetic location: 7q21.12.
Variant type: single nucleotide variant.
Coding change: c.3402C>T on transcript NM_000443.4 (MANE Select); coding-DNA position 3402, C replaced by T.
Protein change: p.Asp1134=; no amino-acid change (aspartic acid 1134 retained).
Molecular consequence: synonymous variant.
Genome position (GRCh38, 1-based): chr7:87,406,372, G>A on the plus strand (C>T on the coding strand, the complement: ABCB4 is on the minus strand). VCF-style: chr7-87406372-G-A. GRCh37 (hg19) VCF-style: chr7-87035688-G-A.
Other names: c.3423C>T, p.Asp1141= (NM_018849.3); c.3261C>T, p.Asp1087= (NM_018850.3).
Identifiers: ClinVar variation 598178 (VCV000598178.21), dbSNP rs371394487, ClinGen allele CA4326776.
Genomic context (GRCh38, chr7:87,406,372, plus strand): 5'-ATGTATGTTGGCAGCTTTGGCTGCACTCACAATTTCATCCTGTGATACAACCCGGCTGTT[G>A]TCTCCATAGGCAATATTCTCGGCAATGCTGCAGTCAAATAGGATAGGCTCCTGAGACACG-3'
Protein context (NP_000434.1, residues 1124-1144): CSIAENIAYG[Asp1134=]NSRVVSQDEI